The following is an entry in ClinVar:

NM_001211.6(BUB1B):c.1358T>C (p.Leu453Pro)

Gene: BUB1B (BUB1 mitotic checkpoint serine/threonine kinase B; plus strand). Cytogenetic location: 15q15.1.
Variant type: single nucleotide variant.
Coding change: c.1358T>C on transcript NM_001211.6 (MANE Select); coding-DNA position 1358, T replaced by C.
Protein change: p.Leu453Pro; replaces leucine 453 with proline.
Molecular consequence: missense variant.
Genome position (GRCh38, 1-based): chr15:40,199,684, T>C. VCF-style: chr15-40199684-T-C. GRCh37 (hg19) VCF-style: chr15-40491885-T-C.
Other names: short protein forms L453P.
Identifiers: ClinVar variation 4216930 (VCV004216930.2).

ClinVar aggregate classification (germline): Uncertain significance. Review status: criteria provided, multiple submitters, no conflicts (2 of 4 stars). 2 submissions from 2 submitters: Uncertain significance (2). Last evaluated 2025-12-20.

Conditions:
Inborn genetic diseases. Identifiers: MedGen C0950123, MeSH D030342.
Mosaic variegated aneuploidy syndrome 1 (MVA1). Also called: Warburton-Anyane-Yeboa syndrome. Identifiers: Orphanet 1052, MedGen C1850343, MONDO:0009759, OMIM 257300.

gnomAD v4.1: 1 of 1,613,946 alleles (0.000062%); highest among the groups gnomAD compares: Non-Finnish European, 0.000085%; no homozygotes.

Submissions (2):

Labcorp Genetics (formerly Invitae), Labcorp
Classification: Uncertain significance for Mosaic variegated aneuploidy syndrome 1. Last evaluated: 2025-12-20. Review status: criteria provided, single submitter. Criteria: Invitae Variant Classification Sherloc (09022015). Collection method: clinical testing. Allele origin: germline.
Comment: This sequence change replaces leucine, which is neutral and non-polar, with proline, which is neutral and non-polar, at codon 453 of the BUB1B protein (p.Leu453Pro). This variant is present in population databases (no rsID available, gnomAD 0.0009%). This variant has not been reported in the literature in individuals affected with BUB1B-related conditions. ClinVar contains an entry for this variant (Variation ID: 4216930). An algorithm developed to predict the effect of missense changes on protein structure and function (PolyPhen-2) suggests that this variant is likely to be disruptive. In summary, the available evidence is currently insufficient to determine the role of this variant in disease. Therefore, it has been classified as a Variant of Uncertain Significance.

Ambry Genetics
Classification: Uncertain significance for Inborn genetic diseases. Last evaluated: 2025-06-16. Review status: criteria provided, single submitter. Criteria: Ambry Variant Classification Scheme 2023. Collection method: clinical testing. Allele origin: germline.
Comment: The p.L453P variant (also known as c.1358T>C), located in coding exon 10 of the BUB1B gene, results from a T to C substitution at nucleotide position 1358. The leucine at codon 453 is replaced by proline, an amino acid with similar properties. This amino acid position is conserved. In addition, the in silico prediction for this alteration is inconclusive. Based on the available evidence, the clinical significance of this variant remains unclear.